The following is an entry in ClinVar:

NM_004304.5(ALK):c.2704G>A (p.Gly902Arg)

Gene: ALK (ALK receptor tyrosine kinase; minus strand). Cytogenetic location: 2p23.2.
Variant type: single nucleotide variant.
Coding change: c.2704G>A on transcript NM_004304.5 (MANE Select); coding-DNA position 2704, G replaced by A.
Protein change: p.Gly902Arg; replaces glycine 902 with arginine.
Molecular consequence: missense variant.
Genome position (GRCh38, 1-based): chr2:29,228,995, C>T on the plus strand (G>A on the coding strand, the complement: ALK is on the minus strand). VCF-style: chr2-29228995-C-T. GRCh37 (hg19) VCF-style: chr2-29451861-C-T.
Other names: short protein forms G902R.
Identifiers: ClinVar variation 662188 (VCV000662188.9), dbSNP rs774488715, ClinGen allele CA1594213.

ClinVar aggregate classification (germline): Uncertain significance. Review status: criteria provided, multiple submitters, no conflicts (2 of 4 stars). 2 submissions from 2 submitters: Uncertain significance (2). Last evaluated 2025-09-03.

Conditions:
Neuroblastoma, susceptibility to, 3. Also called: ALK-Related Neuroblastic Tumor Susceptibility. Identifiers: Orphanet 635, MedGen C2751681, MONDO:0013083, OMIM 613014.
Hereditary cancer-predisposing syndrome. Also called: Neoplastic Syndromes, Hereditary; Hereditary neoplastic syndrome; Tumor predisposition; Hereditary Cancer Syndrome. Identifiers: Orphanet 140162, MedGen C0027672, MeSH D009386, MONDO:0015356.

Allele frequency attached by ClinVar (database versions not stated): gnomAD exomes 0.00001; ExAC 0.00002.

Submissions (2):

Labcorp Genetics (formerly Invitae), Labcorp
Classification: Uncertain significance for Neuroblastoma, susceptibility to, 3. Last evaluated: 2025-09-03. Review status: criteria provided, single submitter. Criteria: Invitae Variant Classification Sherloc (09022015). Collection method: clinical testing. Allele origin: germline.
Comment: This sequence change replaces glycine, which is neutral and non-polar, with arginine, which is basic and polar, at codon 902 of the ALK protein (p.Gly902Arg). This variant is present in population databases (rs774488715, gnomAD 0.002%). This variant has not been reported in the literature in individuals affected with ALK-related conditions. ClinVar contains an entry for this variant (Variation ID: 662188). An algorithm developed to predict the effect of missense changes on protein structure and function (PolyPhen-2) suggests that this variant is likely to be disruptive. In summary, the available evidence is currently insufficient to determine the role of this variant in disease. Therefore, it has been classified as a Variant of Uncertain Significance.

Ambry Genetics
Classification: Uncertain significance for Hereditary cancer-predisposing syndrome. Last evaluated: 2024-12-17. Review status: criteria provided, single submitter. Criteria: Ambry Variant Classification Scheme 2023. Collection method: clinical testing. Allele origin: germline.
Comment: The p.G902R variant (also known as c.2704G>A), located in coding exon 16 of the ALK gene, results from a G to A substitution at nucleotide position 2704. The glycine at codon 902 is replaced by arginine, an amino acid with dissimilar properties. This amino acid position is highly conserved in available vertebrate species. In addition, the in silico prediction for this alteration is inconclusive. Based on the available evidence, the clinical significance of this variant remains unclear.